The following is an entry in ClinVar:

NM_001267550.2(TTN):c.57824C>T (p.Ala19275Val)

Genes: TTN (titin; minus strand), TTN-AS1 (TTN antisense RNA 1; plus strand). Cytogenetic location: 2q31.2.
Variant type: single nucleotide variant.
Coding change: c.57824C>T on transcript NM_001267550.2 (MANE Select); coding-DNA position 57824, C replaced by T.
Protein change: p.Ala19275Val; replaces alanine 19275 with valine.
Molecular consequence: missense variant.
Genome position (GRCh38, 1-based): chr2:178,595,530, G>A on the plus strand (C>T on the coding strand, the complement: TTN is on the minus strand). VCF-style: chr2-178595530-G-A. GRCh37 (hg19) VCF-style: chr2-179460257-G-A.
Other names: c.52901C>T, p.Ala17634Val (NM_001256850.1); c.30629C>T, p.Ala10210Val (NM_003319.4); c.50120C>T, p.Ala16707Val (NM_133378.4); c.31004C>T, p.Ala10335Val (NM_133432.3); c.31205C>T, p.Ala10402Val (NM_133437.4); short protein forms A10210V, A10402V, A10335V, A17634V, A16707V, A19275V.
Identifiers: ClinVar variation 1799382 (VCV001799382.2), dbSNP rs866449199, ClinGen allele CA349514219.
Genomic context (GRCh38, chr2:178,595,530, plus strand): 5'-GAAGTGATTAAGTATACATTTTTTTTTTTTTACTTACTTATTGGCTCTCTGATAACAAGT[G>A]CCTCTGATGTCTCAACAAATGGACCCATGCCAATACTATTTTCAGCCGCAATTCGGAAAA-3'
Protein context (NP_001254479.2, residues 19265-19285): GMGPFVETSE[Ala19275Val]LVIREPITVP

ClinVar aggregate classification (germline): Uncertain significance (1 of 4 stars; one submission).

Conditions:
Cardiovascular phenotype. Identifiers: MedGen CN230736.

Submission:

Ambry Genetics
Classification: Uncertain significance for Cardiovascular phenotype. Last evaluated: 2020-02-12. Review status: criteria provided, single submitter. Criteria: Ambry Variant Classification Scheme 2023. Collection method: clinical testing. Allele origin: germline.
Comment: The p.A10210V variant (also known as c.30629C>T), located in coding exon 122 of the TTN gene, results from a C to T substitution at nucleotide position 30629. The alanine at codon 10210 is replaced by valine, an amino acid with similar properties. This amino acid position is poorly conserved in available vertebrate species. In addition, this alteration is predicted to be tolerated by in silico analysis. Since supporting evidence is limited at this time, the clinical significance of this alteration remains unclear.